The following is an entry in ClinVar:

NM_003079.5(SMARCE1):c.300T>A (p.Ile100=)

Gene: SMARCE1 (SWI/SNF related BAF chromatin remodeling complex subunit E1; minus strand). Cytogenetic location: 17q21.2.
Variant type: single nucleotide variant.
Coding change: c.300T>A on transcript NM_003079.5 (MANE Select); coding-DNA position 300, T replaced by A.
Protein change: p.Ile100=; no amino-acid change (isoleucine 100 retained).
Molecular consequence: synonymous variant.
Genome position (GRCh38, 1-based): chr17:40,636,464, A>T on the plus strand (T>A on the coding strand, the complement: SMARCE1 is on the minus strand). VCF-style: chr17-40636464-A-T. GRCh37 (hg19) VCF-style: chr17-38792716-A-T.
Identifiers: ClinVar variation 239491 (VCV000239491.19), dbSNP rs143363725, ClinGen allele CA8545271.

ClinVar aggregate classification (germline): Likely benign. Review status: criteria provided, multiple submitters, no conflicts (2 of 4 stars). 4 submissions from 4 submitters: Likely benign (3). 1 of the submissions does not count toward it. Last evaluated 2026-01-27.

Conditions:
SMARCE1-related disorder. Also called: SMARCE1-related condition.
Hereditary cancer-predisposing syndrome. Also called: Neoplastic Syndromes, Hereditary; Hereditary Cancer Syndrome; Tumor predisposition; Hereditary neoplastic syndrome. Identifiers: Orphanet 140162, MedGen C0027672, MeSH D009386, MONDO:0015356.
Familial meningioma. Also called: Meningioma, familial, susceptibility to. Identifiers: Orphanet 263662, MedGen C3551915, MONDO:0011789, OMIM 607174.

Allele frequency attached by ClinVar (database versions not stated): gnomAD exomes 0.00013 and 0.00027; 1000 Genomes Project 30x 0.00016; ExAC 0.00016; 1000 Genomes Project 0.00020; TOPMed 0.00021; ESP Exome Variant Server 0.00023; gnomAD 0.00023 and 0.00024.
gnomAD v4.1: 414 of 1,612,486 alleles (0.026%); highest among the groups gnomAD compares: Non-Finnish European, 0.034%; no homozygotes.

Submissions (4):

Labcorp Genetics (formerly Invitae), Labcorp
Classification: Likely benign for Familial meningioma. Last evaluated: 2026-01-27. Review status: criteria provided, single submitter. Criteria: Invitae Variant Classification Sherloc (09022015). Collection method: clinical testing. Allele origin: germline.

Blueprint Genetics
Classification: Likely benign. Last evaluated: 2024-05-13. Review status: criteria provided, single submitter. Criteria: ACMG Guidelines, 2015. Collection method: clinical testing. Allele origin: germline.

Ambry Genetics
Classification: Likely benign for Hereditary cancer-predisposing syndrome. Last evaluated: 2017-04-12. Review status: criteria provided, single submitter. Criteria: Ambry Variant Classification Scheme 2023. Collection method: clinical testing. Allele origin: germline.

PreventionGenetics, part of Exact Sciences
Classification: Likely benign for SMARCE1-related condition. Last evaluated: 2020-09-23. Review status: no assertion criteria provided. Collection method: clinical testing. Allele origin: germline. Not counted in ClinVar's aggregate classification.
Comment: This variant is classified as likely benign based on ACMG/AMP sequence variant interpretation guidelines (Richards et al. 2015 PMID: 25741868, with internal and published modifications).